The following is an entry in ClinVar:

ClinVar aggregate classification (germline): Uncertain significance (1 of 4 stars; one submission).

Conditions:
Developmental and epileptic encephalopathy, 36 (DEE36). Also called: Epileptic encephalopathy, early infantile, 36; Congenital disorder of glycosylation, type Is; ALG13-CDG. Identifiers: Orphanet 324422, MedGen C4317295, MONDO:0010472, OMIM 300884.

gnomAD v4.1: 1 of 1,210,415 alleles (0.000083%); no homozygotes.

Submission:

Labcorp Genetics (formerly Invitae), Labcorp
Classification: Uncertain significance for Developmental and epileptic encephalopathy, 36. Last evaluated: 2022-06-17. Review status: criteria provided, single submitter. Criteria: Invitae Variant Classification Sherloc (09022015). Collection method: clinical testing. Allele origin: germline.
Comment: Algorithms developed to predict the effect of missense changes on protein structure and function output the following: SIFT: "Tolerated"; PolyPhen-2: "Benign"; Align-GVGD: "Class C0". The aspartic acid amino acid residue is found in multiple mammalian species, which suggests that this missense change does not adversely affect protein function. In summary, the available evidence is currently insufficient to determine the role of this variant in disease. Therefore, it has been classified as a Variant of Uncertain Significance. This variant has not been reported in the literature in individuals affected with ALG13-related conditions. This variant is not present in population databases (gnomAD no frequency). This sequence change replaces glutamic acid, which is acidic and polar, with aspartic acid, which is acidic and polar, at codon 1035 of the ALG13 protein (p.Glu1035Asp).

NM_001099922.3(ALG13):c.3105G>T (p.Glu1035Asp)

Gene: ALG13 (ALG13 UDP-N-acetylglucosaminyltransferase subunit; plus strand). Cytogenetic location: Xq23.
Variant type: single nucleotide variant.
Coding change: c.3105G>T on transcript NM_001099922.3 (MANE Select); coding-DNA position 3105, G replaced by T.
Protein change: p.Glu1035Asp; replaces glutamic acid 1035 with aspartic acid.
Molecular consequence: missense variant. On other transcripts: non-coding transcript variant (1).
Genome position (GRCh38, 1-based): chrX:111,757,719, G>T. VCF-style: chrX-111757719-G-T. GRCh37 (hg19) VCF-style: chrX-111000947-G-T.
Other names: c.2556G>T, p.Glu852Asp (NM_001257230.2, NM_001257234.2, NM_001257237.2); c.2871G>T, p.Glu957Asp (NM_001257231.2); c.2868G>T, p.Glu956Asp (NM_001324292.2); c.2382G>T, p.Glu794Asp (NM_001324293.1); short protein forms E852D, E1035D, E957D, E794D, E956D.
Identifiers: ClinVar variation 2141763 (VCV002141763.4), dbSNP rs2526556324, ClinGen allele CA414292782.
Genomic context (GRCh38, chrX:111,757,719, plus strand): 5'-TTATCCAGTCTATACTGAGCCACCTCTGGTAGATCAAACCGTTCCTCAATGCTACAGTGA[G>T]GTGAGGAGAGAAGATGGCATACAGGCGGAAGCATCAGCAAATGGTGAGTGTGTAATGAGA-3'
Protein context (NP_001093392.1, residues 1025-1045): VDQTVPQCYS[Glu1035Asp]VRREDGIQAE